The following is an entry in ClinVar:

NM_020702.5(MYORG):c.176G>A (p.Gly59Asp)

Gene: MYORG (myogenesis regulating glycosidase; minus strand). Cytogenetic location: 9p13.3.
Variant type: single nucleotide variant.
Coding change: c.176G>A on transcript NM_020702.5 (MANE Select); coding-DNA position 176, G replaced by A.
Protein change: p.Gly59Asp; replaces glycine 59 with aspartic acid.
Molecular consequence: missense variant.
Genome position (GRCh38, 1-based): chr9:34,372,768, C>T on the plus strand (G>A on the coding strand, the complement: MYORG is on the minus strand). VCF-style: chr9-34372768-C-T. GRCh37 (hg19) VCF-style: chr9-34372766-C-T.
Other names: short protein forms G59D.
Identifiers: ClinVar variation 4986729 (VCV004986729.1).

ClinVar aggregate classification (germline): Uncertain significance (1 of 4 stars; one submission).

Conditions:
MYORG-related disorder. Also called: MYORG-related condition.

Submission:

PreventionGenetics, part of Exact Sciences
Classification: Uncertain significance for MYORG-related condition. Last evaluated: 2026-08-05. Review status: criteria provided, single submitter. Criteria: ACMG Guidelines, 2015. Collection method: clinical testing. Allele origin: germline.
Comment: The MYORG c.176G>A variant is predicted to result in the amino acid substitution p.Gly59Asp. This variant was reported in the homozygous state in an individual with primary familial brain calcification (Chelban et al. 2020. PubMed ID: 32211515). This variant is reported in 0.029% of alleles in individuals of South Asian descent in gnomAD. At this time, the clinical significance of this variant is uncertain due to the absence of conclusive functional and genetic evidence.